The following is an entry in ClinVar:

NM_032444.4(SLX4):c.4042C>T (p.Pro1348Ser)

Gene: SLX4 (SLX4 structure-specific endonuclease subunit; minus strand). Cytogenetic location: 16p13.3.
Variant type: single nucleotide variant.
Coding change: c.4042C>T on transcript NM_032444.4 (MANE Select); coding-DNA position 4042, C replaced by T.
Protein change: p.Pro1348Ser; replaces proline 1348 with serine.
Molecular consequence: missense variant.
Genome position (GRCh38, 1-based): chr16:3,589,596, G>A on the plus strand (C>T on the coding strand, the complement: SLX4 is on the minus strand). VCF-style: chr16-3589596-G-A. GRCh37 (hg19) VCF-style: chr16-3639597-G-A.
Other names: short protein forms P1348S.
Identifiers: ClinVar variation 4747615 (VCV004747615.1).

ClinVar aggregate classification (germline): Uncertain significance (1 of 4 stars; one submission).

Conditions:
Fanconi anemia (FA). Also called: Fanconi's anemia. Identifiers: Orphanet 84, MedGen C0015625, MeSH D005199, MONDO:0019391.

gnomAD v4.1: 1 of 1,613,702 alleles (0.000062%); highest among the groups gnomAD compares: East Asian, 0.0022%; no homozygotes.

Submission:

Labcorp Genetics (formerly Invitae), Labcorp
Classification: Uncertain significance for Fanconi anemia. Last evaluated: 2026-01-08. Review status: criteria provided, single submitter. Criteria: Invitae Variant Classification Sherloc (09022015). Collection method: clinical testing. Allele origin: germline.
Comment: This sequence change replaces proline, which is neutral and non-polar, with serine, which is neutral and polar, at codon 1348 of the SLX4 protein (p.Pro1348Ser). This variant is not present in population databases (gnomAD no frequency). This variant has not been reported in the literature in individuals affected with SLX4-related conditions. An algorithm developed to predict the effect of missense changes on protein structure and function outputs the following: PolyPhen-2: "Benign". The serine amino acid residue is found in multiple mammalian species, which suggests that this missense change does not adversely affect protein function. In summary, the available evidence is currently insufficient to determine the role of this variant in disease. Therefore, it has been classified as a Variant of Uncertain Significance.